The following is an entry in ClinVar:

ClinVar aggregate classification (germline): Uncertain significance (1 of 4 stars; one submission).

Submission:

Labcorp Genetics (formerly Invitae), Labcorp
Classification: Uncertain significance. Last evaluated: 2024-05-09. Review status: criteria provided, single submitter. Criteria: Invitae Variant Classification Sherloc (09022015). Collection method: clinical testing. Allele origin: germline.
Comment: This sequence change replaces glutamic acid, which is acidic and polar, with lysine, which is basic and polar, at codon 401 of the GRIA3 protein (p.Glu401Lys). Information on the frequency of this variant in the gnomAD database is not available, as this variant may be reported differently in the database. This variant has not been reported in the literature in individuals affected with GRIA3-related conditions. ClinVar contains an entry for this variant (Variation ID: 1352876). Experimental studies and prediction algorithms are not available or were not evaluated, and the functional significance of this variant is currently unknown. In summary, the available evidence is currently insufficient to determine the role of this variant in disease. Therefore, it has been classified as a Variant of Uncertain Significance.

NM_007325.5(GRIA3):c.1200_1201inv (p.Glu401Lys)

Gene: GRIA3 (glutamate ionotropic receptor AMPA type subunit 3; plus strand). Cytogenetic location: Xq25.
Variant type: Inversion.
Coding change: c.1200_1201inv on transcript NM_007325.5 (MANE Select).
Protein change: p.Glu401Lys; replaces glutamic acid 401 with lysine.
Molecular consequence: missense variant.
Genome position: GRCh38 VCF-style: chrX-123403426-TG-CA. GRCh37 (hg19) VCF-style: chrX-122537277-TG-CA.
Other names: c.1200_1201inv, p.Glu401Lys (NM_000828.5); short protein forms E401K.
Identifiers: ClinVar variation 1352876 (VCV001352876.6), ClinGen allele CA2573159194.